The following is an entry in ClinVar:

ClinVar aggregate classification (germline): Uncertain significance. Review status: criteria provided, multiple submitters, no conflicts (2 of 4 stars). 2 submissions from 2 submitters: Uncertain significance (2). Last evaluated 2026-08-26.

Conditions:
Hereditary cancer-predisposing syndrome. Also called: Tumor predisposition; Hereditary Cancer Syndrome; Neoplastic Syndromes, Hereditary; Hereditary neoplastic syndrome. Identifiers: Orphanet 140162, MedGen C0027672, MeSH D009386, MONDO:0015356.
Familial adenomatous polyposis 2. Also called: MUTYH-related attenuated familial adenomatous polyposis; MUTYH-associated polyposis; COLORECTAL ADENOMATOUS POLYPOSIS, AUTOSOMAL RECESSIVE; ADENOMAS, MULTIPLE COLORECTAL, AUTOSOMAL RECESSIVE; FAP type 2; MYH-associated polyposis. Identifiers: Orphanet 220460, Orphanet 247798, MedGen C3272841, MONDO:0012041, OMIM 608456.

Submissions (2):

Ambry Genetics
Classification: Uncertain significance for Hereditary cancer-predisposing syndrome. Last evaluated: 2026-08-26. Review status: criteria provided, single submitter. Criteria: Ambry Variant Classification Scheme 2023. Collection method: clinical testing. Allele origin: germline.
Comment: The p.V390A variant (also known as c.1169T>C), located in coding exon 12 of the MUTYH gene, results from a T to C substitution at nucleotide position 1169. The valine at codon 390 is replaced by alanine, an amino acid with similar properties. This variant has been identified in the homozygous state and/or in conjunction with other MUTYH variant(s) in individual(s) who met clinical criteria for MUTYH-associated polyposis (Ambry internal data). This amino acid position is well conserved in available vertebrate species. In addition, the in silico prediction for this alteration is inconclusive. Based on the available evidence, the clinical significance of this variant remains unclear.

All of Us Research Program, National Institutes of Health
Classification: Uncertain significance for Familial adenomatous polyposis 2. Last evaluated: 2024-01-03. Review status: criteria provided, single submitter. Criteria: ACMG Guidelines, 2015. Collection method: clinical testing. Allele origin: germline. Inheritance: Autosomal recessive inheritance. Observed: 1 variant allele, 1 heterozygote.
Comment: This missense variant replaces valine with alanine at codon 390 of the MUTYH protein. Computational prediction is inconclusive regarding the impact of this variant on protein structure and function. To our knowledge, functional studies have not been reported for this variant. This variant has been reported in an individual affected with breast cancer or ovarian cancer along with a pathogenic MUTYH co-variant (PMID: 32522261). This variant was also detected in the heterozygous state in a family affected with hereditary spinocerebellar ataxia but this variant did not segregate with disease (Bustos Martinez 2020, thesis, Valencia Polytechnic University). This variant has not been identified in the general population by the Genome Aggregation Database (gnomAD). The available evidence is insufficient to determine the role of this variant in disease conclusively. Therefore, this variant is classified as a Variant of Uncertain Significance.

This study involves interpretation of variants in research participants for the purpose of population health screening. Participant phenotype was not available at the time of variant classification. Additional details can be found in publication PMID: 35346344, PMCID: PMC8962531

Literature cited by the submitters: PubMed 40738107 (cited by Ambry Genetics); PubMed 32522261 (cited by All of Us Research Program, National Institutes of Health).

NM_001048174.2(MUTYH):c.1085T>C (p.Val362Ala)

Gene: MUTYH (mutY DNA glycosylase; minus strand). Cytogenetic location: 1p34.1.
Variant type: single nucleotide variant.
Coding change: c.1085T>C on transcript NM_001048174.2 (MANE Select); coding-DNA position 1085, T replaced by C.
Protein change: p.Val362Ala; replaces valine 362 with alanine.
Molecular consequence: missense variant. On other transcripts: non-coding transcript variant (7).
Genome position (GRCh38, 1-based): chr1:45,331,678, A>G on the plus strand (T>C on the coding strand, the complement: MUTYH is on the minus strand). VCF-style: chr1-45331678-A-G. GRCh37 (hg19) VCF-style: chr1-45797350-A-G.
Other names: c.1088T>C, p.Val363Ala (NM_001407086.1, NM_001407071.1, NM_001048172.2 and 1 more transcripts); c.1106T>C, p.Val369Ala (NM_001407087.1); c.1085T>C, p.Val362Ala (NM_001407088.1, NM_001407089.1, NM_001293195.2 and 6 more transcripts); c.809T>C, p.Val270Ala (NM_001407091.1, NM_001293192.2, NM_001293196.2); c.1160T>C, p.Val387Ala (NM_012222.3); c.740T>C, p.Val247Ala (NM_001350650.2, NM_001350651.2, NM_001407082.1); c.1118T>C, p.Val373Ala (NM_001407069.1, NM_001293191.2, NM_001407077.1); c.1169T>C, p.Val390Ala (NM_001128425.2); and 5 more; short protein forms V247A, V270A, V334A, V348A, V349A, V362A, V363A, V369A.
Identifiers: ClinVar variation 3075241 (VCV003075241.2), dbSNP rs2523991147, ClinGen allele CA340133311.